The following is an entry in ClinVar:

NM_014008.5(CCDC22):c.319C>T (p.Arg107Cys)

Gene: CCDC22 (CCC complex scaffolding subunit CCDC22; plus strand). Cytogenetic location: Xp11.23.
Variant type: single nucleotide variant.
Coding change: c.319C>T on transcript NM_014008.5 (MANE Select); coding-DNA position 319, C replaced by T.
Protein change: p.Arg107Cys; replaces arginine 107 with cysteine.
Molecular consequence: missense variant.
Genome position (GRCh38, 1-based): chrX:49,242,106, C>T. VCF-style: chrX-49242106-C-T. GRCh37 (hg19) VCF-style: chrX-49098572-C-T.
Other names: c.319C>T (NM_014008.3); short protein forms R107C.
Identifiers: ClinVar variation 1805180 (VCV001805180.3), dbSNP rs2065966338, ClinGen allele CA412933983.
Genomic context (GRCh38, chrX:49,242,106, plus strand): 5'-CAGAACTTCCTCTACCCCAGTGAGCCTGACCTCCGAGACCTGCTTCTCTTCTTGGCTGAG[C>T]GTCTGCCCACCGATGCCTCTGAGGATGCAGACCAGCCTGCAGGTACTGGGTGTCTGGGGT-3'
Protein context (NP_054727.1, residues 97-117): LRDLLLFLAE[Arg107Cys]LPTDASEDAD

ClinVar aggregate classification (germline): Uncertain significance. Review status: criteria provided, multiple submitters, no conflicts (2 of 4 stars). 2 submissions from 2 submitters: Uncertain significance (2). Last evaluated 2023-03-02.

Conditions:
Ritscher-Schinzel syndrome 2. Identifiers: Orphanet 7, MedGen C4225419, MONDO:0010499, OMIM 300963.

Allele frequency attached by ClinVar (database versions not stated): TOPMed below 0.00001; gnomAD exomes 0.00001.
gnomAD v4.1: 9 of 1,209,819 alleles (0.00074%); highest among the groups gnomAD compares: Non-Finnish European, 0.00067%; no homozygotes.

Submissions (2):

Ambry Genetics
Classification: Uncertain significance. Last evaluated: 2023-03-02. Review status: criteria provided, single submitter. Criteria: Ambry Variant Classification Scheme 2023. Collection method: clinical testing. Allele origin: germline.

Victorian Clinical Genetics Services, Murdoch Childrens Research Institute
Classification: Uncertain significance for Ritscher-Schinzel syndrome 2. Last evaluated: 2020-06-11. Review status: criteria provided, single submitter. Criteria: ACMG Guidelines, 2015. Collection method: clinical testing. Allele origin: germline. Inheritance: X-linked recessive inheritance. Affected: yes.
Comment: Based on the classification scheme VCGS_Germline_v1.1.1, this variant is classified as 3B-VUS. Following criteria are met: 0105 - The mechanism of disease for this gene is not clearly established. However, loss-of-function is a likely mechanism of disease (PMIDs: 24916641, 23563313, 21826058). (N) 0109 - This gene is known to be associated with X-linked recessive disease. (N) 0200 - Variant is predicted to result in a missense amino acid change from arginine to cysteine (exon 3). (N) 0253 - Variant is hemizygous. (N) 0301 - Variant is absent from gnomAD. (P) 0502 - Missense variant with conflicting in silico predictions and/or uninformative conservation. (N) 0600 - Variant is located in an annotated domain or motif (DUF812 domain; NCBI, PDB). (N) 0705 - No comparable variants have previous evidence for pathogenicity. (N) 0807 - Variant has not previously been reported in a clinical context. (N) 0905 - No segregation evidence has been identified for this variant. (N) 1007 - No published functional evidence has been identified for this variant. (N) 1208 - Inheritance information for this variant is not currently available. (N) Legend: (P) - Pathogenic, (N) - Neutral, (B) - Benign

Literature cited by the submitters: PubMed 21826058 (cited by Victorian Clinical Genetics Services, Murdoch Childrens Research Institute); PubMed 23563313 (cited by Victorian Clinical Genetics Services, Murdoch Childrens Research Institute); PubMed 24916641 (cited by Victorian Clinical Genetics Services, Murdoch Childrens Research Institute).